The following is an entry in ClinVar:

NC_000016.9:g.(?_70286614)_(70296437_?)dup

Gene: AARS1 (alanyl-tRNA synthetase 1; minus strand). Cytogenetic location: 16q22.1.
Variant type: Duplication.
Identifiers: ClinVar variation 648520 (VCV000648520.3).

ClinVar aggregate classification (germline): Uncertain significance (1 of 4 stars; one submission).

Conditions:
Charcot-Marie-Tooth disease type 2. Also called: Charcot-Marie-Tooth type 2. Identifiers: Orphanet 64746, MedGen C0270914, MONDO:0018993.

Submission:

Labcorp Genetics (formerly Invitae), Labcorp
Classification: Uncertain significance for Charcot-Marie-Tooth disease type 2. Last evaluated: 2019-12-12. Review status: criteria provided, single submitter. Criteria: Invitae Variant Classification Sherloc (09022015). Collection method: clinical testing. Allele origin: germline.
Comment: This variant is a gross duplication of the genomic region encompassing exons 12-21 of the AARS gene. The 5' boundary is likely confined to intron 11. The 3' end of this event is unknown as it extends beyond the assayed region for this gene and therefore may encompass additional genes. The exact location of this variant in the genome is unknown. This variant has not been reported in the literature in individuals with AARS-related disease. In summary, the available evidence is currently insufficient to determine the role of this variant in disease. Therefore, it has been classified as a Variant of Uncertain Significance.